The following is an entry in ClinVar:

NM_001127222.2(CACNA1A):c.3103dup (p.Ser1035fs)

Gene: CACNA1A (calcium voltage-gated channel subunit alpha1 A; minus strand). Cytogenetic location: 19p13.13.
Variant type: Duplication.
Coding change: c.3103dup on transcript NM_001127222.2 (MANE Select); coding-DNA position 3103, one base duplicated (T; older notation c.3103dupT).
Protein change: p.Ser1035fs; shifts the reading frame from serine 1035.
Molecular consequence: frameshift variant.
Genome position (GRCh38, 1-based): chr19:13,286,953, A duplicated on the plus strand (T on the coding strand, the reverse complement: CACNA1A is on the minus strand). VCF-style (leftmost placement, unchanged base first): chr19-13286952-G-GA. GRCh37 (hg19) VCF-style: chr19-13397766-G-GA.
Other names: c.3115dup, p.Ser1039fs (NM_000068.4, NM_023035.3); c.3106dup, p.Ser1036fs (NM_001127221.2, NM_001174080.2); c.3106dupT (NM_001127221.1); short protein forms S1035fs, S1036fs, S1039fs.
Identifiers: ClinVar variation 429987 (VCV000429987.5), dbSNP rs1131691712, ClinGen allele CA645369781.
Genomic context (GRCh38, chr19:13,286,952, plus strand): 5'-CCCAGGTCCTGCTGGATTGGCCGGGTGGTTGACAGGTTGGGGCCCGACACAGGGACCCCG[G>GA]AGCCCTGGTTCTCTCTGAGGAAGGCAAGTGAATGAAAAAGAACCAACAACTGATTTAGGA-3'

ClinVar aggregate classification (germline): Pathogenic. Review status: criteria provided, multiple submitters, no conflicts (2 of 4 stars). 2 submissions from 2 submitters: Pathogenic (2). Last evaluated 2017-05-04.

Conditions:
Inborn genetic diseases. Identifiers: MedGen C0950123, MeSH D030342.

Submissions (2):

GeneDx
Classification: Pathogenic. Last evaluated: 2017-05-04. Review status: criteria provided, single submitter. Criteria: GeneDx Variant Classification (06012015). Collection method: clinical testing. Allele origin: germline. Affected: yes.
Comment: The c.3106dupT variant in the CACNA1A gene has not been reported previously as a pathogenicvariant nor as a benign variant, to our knowledge. The c.3106dupT variant causes a frameshift startingwith codon Serine 1036, changes this amino acid to a Phenylalanine residue, and creates a prematureStop codon at position 32 of the new reading frame, denoted p.Ser1036PhefsX32. This variant ispredicted to cause loss of normal protein function either through protein truncation or nonsensemediatedmRNA decay. The c.3106dupT variant is not observed in large population cohorts (Lek etal., 2016; 1000 Genomes Consortium et al., 2015; Exome Variant Server). We interpret c.3106dupTas a pathogenic variant.

Ambry Genetics
Classification: Pathogenic for Inborn genetic diseases. Last evaluated: 2016-04-28. Review status: criteria provided, single submitter. Criteria: Ambry exome assertion method (8-5-2015). Collection method: clinical testing. Allele origin: germline. Affected: yes. Observed: 1 variant allele.